The following is an entry in ClinVar:

ClinVar aggregate classification (germline): Uncertain significance. Review status: criteria provided, multiple submitters, no conflicts (2 of 4 stars). 2 submissions from 2 submitters: Uncertain significance (2). Last evaluated 2026-07-13.

Conditions:
Multiple endocrine neoplasia, type 2 (MEN2). Identifiers: Orphanet 653, MedGen C4048306, MONDO:0019003. Disease mechanism: gain of function.
Hereditary cancer-predisposing syndrome. Also called: Hereditary Cancer Syndrome; Tumor predisposition; Neoplastic Syndromes, Hereditary; Hereditary neoplastic syndrome. Identifiers: Orphanet 140162, MedGen C0027672, MeSH D009386, MONDO:0015356.

Allele frequency attached by ClinVar (database versions not stated): gnomAD exomes below 0.00001.
gnomAD v4.1: 1 of 1,613,816 alleles (0.000062%); highest among the groups gnomAD compares: Admixed American, 0.0017%; no homozygotes.

Submissions (2):

Ambry Genetics
Classification: Uncertain significance for Hereditary cancer-predisposing syndrome. Last evaluated: 2026-07-13. Review status: criteria provided, single submitter. Criteria: Ambry Variant Classification Scheme 2023. Collection method: clinical testing. Allele origin: germline.
Comment: The p.H392R variant (also known as c.1175A>G), located in coding exon 6 of the RET gene, results from an A to G substitution at nucleotide position 1175. The histidine at codon 392 is replaced by arginine, an amino acid with highly similar properties. This amino acid position is conserved. In addition, the in silico prediction for this alteration is inconclusive. Based on the available evidence, the clinical significance of this variant remains unclear.

Labcorp Genetics (formerly Invitae), Labcorp
Classification: Uncertain significance for Multiple endocrine neoplasia, type 2. Last evaluated: 2024-04-16. Review status: criteria provided, single submitter. Criteria: Invitae Variant Classification Sherloc (09022015). Collection method: clinical testing. Allele origin: germline.
Comment: This sequence change replaces histidine, which is basic and polar, with arginine, which is basic and polar, at codon 392 of the RET protein (p.His392Arg). This variant is not present in population databases (gnomAD no frequency). This variant has not been reported in the literature in individuals affected with RET-related conditions. ClinVar contains an entry for this variant (Variation ID: 1504491). An algorithm developed to predict the effect of missense changes on protein structure and function (PolyPhen-2) suggests that this variant is likely to be disruptive. In summary, the available evidence is currently insufficient to determine the role of this variant in disease. Therefore, it has been classified as a Variant of Uncertain Significance.

NM_020975.6(RET):c.1175A>G (p.His392Arg)

Gene: RET (ret proto-oncogene; plus strand). Cytogenetic location: 10q11.21.
Variant type: single nucleotide variant.
Coding change: c.1175A>G on transcript NM_020975.6 (MANE Select); coding-DNA position 1175, A replaced by G.
Protein change: p.His392Arg; replaces histidine 392 with arginine.
Molecular consequence: missense variant.
Genome position (GRCh38, 1-based): chr10:43,109,142, A>G. VCF-style: chr10-43109142-A-G. GRCh37 (hg19) VCF-style: chr10-43604590-A-G.
Other names: c.1175A>G, p.His392Arg (NM_000323.2, NM_001406743.1, NM_001406744.1 and 6 more transcripts); c.413A>G, p.His138Arg (NM_001355216.2); c.1046A>G, p.His349Arg (NM_001406761.1, NM_001406762.1, NM_001406764.1 and 1 more transcripts); c.887A>G, p.His296Arg (NM_001406766.1, NM_001406767.1, NM_001406770.1); c.737A>G, p.His246Arg (NM_001406771.1, NM_001406773.1); c.449A>G, p.His150Arg (NM_001406775.1, NM_001406776.1, NM_001406777.1 and 1 more transcripts); c.185A>G, p.His62Arg (NM_001406784.1); short protein forms H138R, H392R, H150R, H296R, H246R, H349R, H62R.
Identifiers: ClinVar variation 1504491 (VCV001504491.10), dbSNP rs2132745297, ClinGen allele CA376547652.
Genomic context (GRCh38, chr10:43,109,142, plus strand): 5'-TGGCGGTGCTGGTCAATGACTCAGACTTCCAGGGCCCAGGAGCGGGCGTCCTCTTGCTCC[A>G]CTTCAACGTGTCGGTGCTGCCGGTCAGCCTGCACCTGCCCAGTACCTACTCCCTCTCCGT-3'
Protein context (NP_066124.1, residues 382-402): QGPGAGVLLL[His392Arg]FNVSVLPVSL